The following is an entry in ClinVar:

ClinVar aggregate classification (germline): Likely benign (1 of 4 stars; one submission).

gnomAD v4.1: 186 of 1,578,592 alleles (0.012%); highest among the groups gnomAD compares: Middle Eastern, 0.017%; no homozygotes.

Submission:

CeGaT Center for Human Genetics Tuebingen
Classification: Likely benign. Last evaluated: 2026-07-01. Review status: criteria provided, single submitter. Criteria: CeGaT Center For Human Genetics Tuebingen Variant Classification Criteria Version 2. Collection method: clinical testing. Allele origin: germline. Affected: yes. Observed: 1 variant allele.
Comment: NEMF: BP4, BP7

NM_004713.6(NEMF):c.675A>G (p.Val225=)

Gene: NEMF (nuclear export mediator factor; minus strand). Cytogenetic location: 14q21.3.
Variant type: single nucleotide variant.
Coding change: c.675A>G on transcript NM_004713.6 (MANE Select); coding-DNA position 675, A replaced by G.
Protein change: p.Val225=; no amino-acid change (valine 225 retained).
Molecular consequence: synonymous variant.
Genome position (GRCh38, 1-based): chr14:49,833,483, T>C on the plus strand (A>G on the coding strand, the complement: NEMF is on the minus strand). VCF-style: chr14-49833483-T-C. GRCh37 (hg19) VCF-style: chr14-50300201-T-C.
Other names: c.675A>G, p.Val225= (NM_001301732.3).
Identifiers: ClinVar variation 5038746 (VCV005038746.1).